The following is an entry in ClinVar:

NM_000515.5(GH1):c.547C>T (p.Leu183Phe)

Genes: GH-LCR (growth hormone locus control region; plus strand), GH1 (growth hormone 1; minus strand). Cytogenetic location: 17q23.3.
Variant type: single nucleotide variant.
Coding change: c.547C>T on transcript NM_000515.5 (MANE Select); coding-DNA position 547, C replaced by T.
Protein change: p.Leu183Phe; replaces leucine 183 with phenylalanine.
Molecular consequence: missense variant.
Genome position (GRCh38, 1-based): chr17:63,917,416, G>A on the plus strand (C>T on the coding strand, the complement: GH1 is on the minus strand). VCF-style: chr17-63917416-G-A. GRCh37 (hg19) VCF-style: chr17-61994776-G-A.
Other names: c.502C>T, p.Leu168Phe (NM_022559.4); c.427C>T, p.Leu143Phe (NM_022560.4); c.547C>T (NM_000515.3); short protein forms L183F, L168F, L143F.
Identifiers: ClinVar variation 284724 (VCV000284724.10), dbSNP rs184640372, ClinGen allele CA8708124.

ClinVar aggregate classification (germline): Uncertain significance. Review status: criteria provided, multiple submitters, no conflicts (2 of 4 stars). 3 submissions from 3 submitters: Uncertain significance (3). Last evaluated 2023-05-21.

Conditions:
Inborn genetic diseases. Identifiers: MedGen C0950123, MeSH D030342.

Allele frequency attached by ClinVar (database versions not stated): gnomAD exomes 0.00002 and 0.00004; ExAC 0.00004; ESP Exome Variant Server 0.00008; gnomAD 0.00014 and 0.00015; TOPMed 0.00019; 1000 Genomes Project 30x 0.00031; 1000 Genomes Project 0.00040.
gnomAD v4.1: 50 of 1,613,980 alleles (0.0031%); highest among the groups gnomAD compares: African/African-American, 0.06%; no homozygotes.

Submissions (3):

Labcorp Genetics (formerly Invitae), Labcorp
Classification: Uncertain significance. Last evaluated: 2023-05-21. Review status: criteria provided, single submitter. Criteria: Invitae Variant Classification Sherloc (09022015). Collection method: clinical testing. Allele origin: germline.
Comment: In summary, the available evidence is currently insufficient to determine the role of this variant in disease. Therefore, it has been classified as a Variant of Uncertain Significance. An algorithm developed to predict the effect of missense changes on protein structure and function (PolyPhen-2) suggests that this variant is likely to be disruptive. ClinVar contains an entry for this variant (Variation ID: 284724). This variant has not been reported in the literature in individuals affected with GH1-related conditions. This variant is present in population databases (rs184640372, gnomAD 0.06%). This sequence change replaces leucine, which is neutral and non-polar, with phenylalanine, which is neutral and non-polar, at codon 183 of the GH1 protein (p.Leu183Phe).

Ambry Genetics
Classification: Uncertain significance for Inborn genetic diseases. Last evaluated: 2021-10-12. Review status: criteria provided, single submitter. Criteria: Ambry Variant Classification Scheme 2023. Collection method: clinical testing. Allele origin: germline.

Eurofins Ntd Llc (ga)
Classification: Uncertain significance. Last evaluated: 2015-11-17. Review status: criteria provided, single submitter. Criteria: EGL Classification Definitions 2015. Collection method: clinical testing. Allele origin: germline. Observed: 1 variant allele, 1 heterozygote.